The following is an entry in ClinVar:

NM_000197.2(HSD17B3):c.329A>G (p.Asp110Gly)

Genes: HSD17B3 (hydroxysteroid 17-beta dehydrogenase 3; minus strand), SLC35D2-HSD17B3 (SLC35D2-HSD17B3 readthrough; minus strand). Cytogenetic location: 9q22.32.
Variant type: single nucleotide variant.
Coding change: c.329A>G on transcript NM_000197.2 (MANE Select); coding-DNA position 329, A replaced by G.
Protein change: p.Asp110Gly; replaces aspartic acid 110 with glycine.
Molecular consequence: missense variant.
Genome position (GRCh38, 1-based): chr9:96,252,859, T>C on the plus strand (A>G on the coding strand, the complement: HSD17B3 is on the minus strand). VCF-style: chr9-96252859-T-C. GRCh37 (hg19) VCF-style: chr9-99015141-T-C.
Other names: short protein forms D110G.
Identifiers: ClinVar variation 2052865 (VCV002052865.1), dbSNP rs200961609, ClinGen allele CA5140450.

ClinVar aggregate classification (germline): Uncertain significance (1 of 4 stars; one submission).

Allele frequency attached by ClinVar (database versions not stated): TOPMed 0.00009; ExAC 0.00012; ESP Exome Variant Server 0.00015; gnomAD 0.00015; gnomAD exomes 0.00015.
gnomAD v4.1: 250 of 1,613,842 alleles (0.015%); highest among the groups gnomAD compares: Middle Eastern, 0.033%; no homozygotes.

Submission:

Labcorp Genetics (formerly Invitae), Labcorp
Classification: Uncertain significance. Last evaluated: 2022-10-17. Review status: criteria provided, single submitter. Criteria: Invitae Variant Classification Sherloc (09022015). Collection method: clinical testing. Allele origin: germline.
Comment: This sequence change replaces aspartic acid, which is acidic and polar, with glycine, which is neutral and non-polar, at codon 110 of the HSD17B3 protein (p.Asp110Gly). This variant is present in population databases (rs200961609, gnomAD 0.02%). This variant has not been reported in the literature in individuals affected with HSD17B3-related conditions. Advanced modeling of protein sequence and biophysical properties (such as structural, functional, and spatial information, amino acid conservation, physicochemical variation, residue mobility, and thermodynamic stability) performed at Invitae indicates that this missense variant is not expected to disrupt HSD17B3 protein function. In summary, the available evidence is currently insufficient to determine the role of this variant in disease. Therefore, it has been classified as a Variant of Uncertain Significance.